The following is an entry in ClinVar:

ClinVar aggregate classification (germline): Likely benign (0 of 4 stars; one submission).

Conditions:
ADAMTS3-related disorder. Also called: ADAMTS3-related condition.

Allele frequency attached by ClinVar (database versions not stated): ESP Exome Variant Server 0.00008; 1000 Genomes Project 0.00060; 1000 Genomes Project 30x 0.00062.
gnomAD v4.1: 259 of 1,613,956 alleles (0.016%); highest among the groups gnomAD compares: South Asian, 0.25%; 3 homozygotes.

Submission:

PreventionGenetics, part of Exact Sciences
Classification: Likely benign for ADAMTS3-related condition. Last evaluated: 2019-04-08. Review status: no assertion criteria provided. Collection method: clinical testing. Allele origin: germline.
Comment: This variant is classified as likely benign based on ACMG/AMP sequence variant interpretation guidelines (Richards et al. 2015 PMID: 25741868, with internal and published modifications).

NM_014243.3(ADAMTS3):c.399G>A (p.Thr133=)

Gene: ADAMTS3 (ADAM metallopeptidase with thrombospondin type 1 motif 3; minus strand). Cytogenetic location: 4q13.3.
Variant type: single nucleotide variant.
Coding change: c.399G>A on transcript NM_014243.3 (MANE Select); coding-DNA position 399, G replaced by A.
Protein change: p.Thr133=; no amino-acid change (threonine 133 retained).
Molecular consequence: synonymous variant.
Genome position (GRCh38, 1-based): chr4:72,548,583, C>T on the plus strand (G>A on the coding strand, the complement: ADAMTS3 is on the minus strand). VCF-style: chr4-72548583-C-T. GRCh37 (hg19) VCF-style: chr4-73414300-C-T.
Identifiers: ClinVar variation 3046939 (VCV003046939.2), dbSNP rs139759074, ClinGen allele CA2957260.